The following is an entry in ClinVar:

NM_000090.4(COL3A1):c.334-11C>G

Gene: COL3A1 (collagen type III alpha 1 chain; plus strand). Cytogenetic location: 2q32.2.
Variant type: single nucleotide variant.
Coding change: c.334-11C>G on transcript NM_000090.4 (MANE Select); 11 bases into the intron before coding-DNA position 334, C replaced by G.
Molecular consequence: intron variant.
Genome position (GRCh38, 1-based): chr2:188,985,654, C>G. VCF-style: chr2-188985654-C-G. GRCh37 (hg19) VCF-style: chr2-189850380-C-G.
Identifiers: ClinVar variation 2577082 (VCV002577082.1), dbSNP rs1459740754, ClinGen allele CA538440915.

ClinVar aggregate classification (germline): Uncertain significance (1 of 4 stars; one submission).

Allele frequency attached by ClinVar (database versions not stated): gnomAD exomes below 0.00001.
gnomAD v4.1: 3 of 1,569,508 alleles (0.00019%); highest among the groups gnomAD compares: Non-Finnish European, 0.00026%; no homozygotes.

Submission:

Women's Health and Genetics/Laboratory Corporation of America, LabCorp
Classification: Uncertain significance. Last evaluated: 2023-07-05. Review status: criteria provided, single submitter. Criteria: LabCorp Variant Classification Summary - May 2015. Collection method: clinical testing. Allele origin: germline.
Comment: Variant summary: COL3A1 c.334-11C>G alters a non-conserved nucleotide located close to a canonical splice site and therefore could affect mRNA splicing, leading to a significantly altered protein sequence. 4/4 computational tools predict no significant impact on normal splicing. However, these predictions have yet to be confirmed by functional studies. The variant allele was found at a frequency of 4.2e-06 in 239054 control chromosomes (gnomAD). The available data on variant occurrences in the general population are insufficient to allow any conclusion about variant significance. To our knowledge, no occurrence of c.334-11C>G in individuals affected with Ehlers-Danlos Syndrome, Vascular Type and no experimental evidence demonstrating its impact on protein function have been reported. No submitters have cited clinical-significance assessments for this variant to ClinVar after 2014. Based on the evidence outlined above, the variant was classified as uncertain significance.